The following is an entry in ClinVar:

NM_000257.4(MYH7):c.4820G>A (p.Ser1607Asn)

Genes: MHRT (myosin heavy chain associated RNA transcript; plus strand), MYH7 (myosin heavy chain 7; minus strand), LOC126861897 (BRD4-independent group 4 enhancer GRCh37_chr14:23884455-23885654; plus strand). Cytogenetic location: 14q11.2.
Variant type: single nucleotide variant.
Coding change: c.4820G>A on transcript NM_000257.4 (MANE Select); coding-DNA position 4820, G replaced by A.
Protein change: p.Ser1607Asn; replaces serine 1607 with asparagine.
Molecular consequence: missense variant. On other transcripts: non-coding transcript variant (1).
Genome position (GRCh38, 1-based): chr14:23,416,137, C>T on the plus strand (G>A on the coding strand, the complement: MYH7 is on the minus strand). VCF-style: chr14-23416137-C-T. GRCh37 (hg19) VCF-style: chr14-23885346-C-T.
Other names: c.4820G>A, p.Ser1607Asn (NM_001407004.1); short protein forms S1607N.
Identifiers: ClinVar variation 3073140 (VCV003073140.1), dbSNP rs951187471, ClinGen allele CA389037569.

ClinVar aggregate classification (germline): Uncertain significance (1 of 4 stars; one submission).

Conditions:
Cardiomyopathy (CMYO). Also called: Cardiomyopathies. Identifiers: Orphanet 167848, MedGen C0878544, MONDO:0004994, HP:0001638. Inheritance: Various modes of inheritance.

Submission:

All of Us Research Program, National Institutes of Health
Classification: Uncertain significance for Cardiomyopathy. Last evaluated: 2023-08-23. Review status: criteria provided, single submitter. Criteria: ACMG Guidelines, 2015. Collection method: clinical testing. Allele origin: germline. Inheritance: Autosomal dominant inheritance. Observed: 1 variant allele, 1 heterozygote.
Comment: This missense variant replaces serine with asparagine at codon 1607 of the MYH7 protein. Computational prediction is inconclusive regarding the impact of this variant on protein structure and function (internally defined REVEL score threshold 0.5 < inconclusive < 0.7, PMID: 27666373). To our knowledge, functional studies have not been reported for this variant. This variant has not been reported in individuals affected with MYH7-related disorders in the literature. This variant has not been identified in the general population by the Genome Aggregation Database (gnomAD). The available evidence is insufficient to determine the role of this variant in disease conclusively. Therefore, this variant is classified as a Variant of Uncertain Significance.

This study involves interpretation of variants in research participants for the purpose of population health screening. Participant phenotype was not available at the time of variant classification. Additional details can be found in publication PMID: 35346344, PMCID: PMC8962531